The following is an entry in ClinVar:

ClinVar aggregate classification (germline): Uncertain significance. Review status: criteria provided, multiple submitters, no conflicts (2 of 4 stars). 2 submissions from 2 submitters: Uncertain significance (2). Last evaluated 2024-10-29.

Allele frequency attached by ClinVar (database versions not stated): gnomAD 0.00001.
gnomAD v4.1: 25 of 1,608,462 alleles (0.0016%); highest among the groups gnomAD compares: Non-Finnish European, 0.0021%; no homozygotes.

Submissions (2):

Blueprint Genetics
Classification: Uncertain significance. Last evaluated: 2024-10-29. Review status: criteria provided, single submitter. Criteria: ACMG Guidelines, 2015. Collection method: clinical testing. Allele origin: germline.

Labcorp Genetics (formerly Invitae), Labcorp
Classification: Uncertain significance. Last evaluated: 2022-06-13. Review status: criteria provided, single submitter. Criteria: Invitae Variant Classification Sherloc (09022015). Collection method: clinical testing. Allele origin: germline.
Comment: In summary, the available evidence is currently insufficient to determine the role of this variant in disease. Therefore, it has been classified as a Variant of Uncertain Significance. Algorithms developed to predict the effect of missense changes on protein structure and function (SIFT, PolyPhen-2, Align-GVGD) all suggest that this variant is likely to be tolerated. This variant has not been reported in the literature in individuals affected with CARMIL2-related conditions. This variant is not present in population databases (gnomAD no frequency). This sequence change replaces alanine, which is neutral and non-polar, with glutamic acid, which is acidic and polar, at codon 528 of the CARMIL2 protein (p.Ala528Glu).

NM_001013838.3(CARMIL2):c.1583C>A (p.Ala528Glu)

Gene: CARMIL2 (capping protein regulator and myosin 1 linker 2; plus strand). Cytogenetic location: 16q22.1.
Variant type: single nucleotide variant.
Coding change: c.1583C>A on transcript NM_001013838.3 (MANE Select); coding-DNA position 1583, C replaced by A.
Protein change: p.Ala528Glu; replaces alanine 528 with glutamic acid.
Molecular consequence: missense variant.
Genome position (GRCh38, 1-based): chr16:67,648,966, C>A. VCF-style: chr16-67648966-C-A. GRCh37 (hg19) VCF-style: chr16-67682869-C-A.
Other names: c.1475C>A, p.Ala492Glu (NM_001317026.3); short protein forms A528E, A492E.
Identifiers: ClinVar variation 1498959 (VCV001498959.7), dbSNP rs760760739, ClinGen allele CA283204778.
Genomic context (GRCh38, chr16:67,648,966, plus strand): 5'-GCGCCCAGGTGATACAAGACTTAGTGTGCGACGCAGGCGCTGTGAGCTCCCTGGATCTGG[C>A]GGATAACGGTGAGGCTGCAGGAGAGCCCATCCTCGCATCATCCACTCGATTCCCAATCCC-3'
Protein context (NP_001013860.1, residues 518-538): DAGAVSSLDL[Ala528Glu]DNGFGSDMVT